The following is an entry in ClinVar:

ClinVar aggregate classification (germline): Uncertain significance (1 of 4 stars; one submission).

Conditions:
Combined oxidative phosphorylation defect type 17. Also called: Combined oxidative phosphorylation deficiency 17. Identifiers: Orphanet 369913, MedGen C3809526, MONDO:0014190, OMIM 615440.

Allele frequency attached by ClinVar (database versions not stated): gnomAD 0.00001; TOPMed 0.00001.
gnomAD v4.1: 1 of 1,614,008 alleles (0.000062%); highest among the groups gnomAD compares: Non-Finnish European, 0.000085%; no homozygotes.

Submission:

Labcorp Genetics (formerly Invitae), Labcorp
Classification: Uncertain significance for Combined oxidative phosphorylation defect type 17. Last evaluated: 2021-07-08. Review status: criteria provided, single submitter. Criteria: Invitae Variant Classification Sherloc (09022015). Collection method: clinical testing. Allele origin: germline.
Comment: This variant is not present in population databases (ExAC no frequency). This sequence change falls in intron 6 of the ELAC2 gene. It does not directly change the encoded amino acid sequence of the ELAC2 protein. This variant has not been reported in the literature in individuals affected with ELAC2-related conditions. Algorithms developed to predict the effect of sequence changes on RNA splicing suggest that this variant may disrupt the consensus splice site. In summary, the available evidence is currently insufficient to determine the role of this variant in disease. Therefore, it has been classified as a Variant of Uncertain Significance.

NM_018127.7(ELAC2):c.560-10T>C

Gene: ELAC2 (elaC ribonuclease Z 2; minus strand). Cytogenetic location: 17p12.
Variant type: single nucleotide variant.
Coding change: c.560-10T>C on transcript NM_018127.7 (MANE Select); 10 bases into the intron before coding-DNA position 560, T replaced by C.
Molecular consequence: intron variant.
Genome position (GRCh38, 1-based): chr17:13,011,792, A>G on the plus strand (T>C on the coding strand, the complement: ELAC2 is on the minus strand). VCF-style: chr17-13011792-A-G. GRCh37 (hg19) VCF-style: chr17-12915109-A-G.
Other names: c.560-1121T>C (NM_001165962.2); c.560-10T>C (NM_173717.2).
Identifiers: ClinVar variation 1386208 (VCV001386208.8), dbSNP rs1318229217, ClinGen allele CA726212518.